The following is an entry in ClinVar:

ClinVar aggregate classification (germline): Uncertain significance (1 of 4 stars; one submission).

Submission:

Labcorp Genetics (formerly Invitae), Labcorp
Classification: Uncertain significance. Last evaluated: 2023-07-13. Review status: criteria provided, single submitter. Criteria: Invitae Variant Classification Sherloc (09022015). Collection method: clinical testing. Allele origin: germline.
Comment: This sequence change replaces methionine, which is neutral and non-polar, with isoleucine, which is neutral and non-polar, at codon 4 of the ATP2B2 protein (p.Met4Ile). This variant is present in population databases (no rsID available, gnomAD 0.0009%). This variant has not been reported in the literature in individuals affected with ATP2B2-related conditions. Advanced modeling of protein sequence and biophysical properties (such as structural, functional, and spatial information, amino acid conservation, physicochemical variation, residue mobility, and thermodynamic stability) performed at Invitae indicates that this missense variant is not expected to disrupt ATP2B2 protein function. In summary, the available evidence is currently insufficient to determine the role of this variant in disease. Therefore, it has been classified as a Variant of Uncertain Significance.

NM_001001331.4(ATP2B2):c.12G>C (p.Met4Ile)

Gene: ATP2B2 (ATPase plasma membrane Ca2+ transporting 2; minus strand). Cytogenetic location: 3p25.3.
Variant type: single nucleotide variant.
Coding change: c.12G>C on transcript NM_001001331.4 (MANE Select); coding-DNA position 12, G replaced by C.
Protein change: p.Met4Ile; replaces methionine 4 with isoleucine.
Molecular consequence: missense variant.
Genome position (GRCh38, 1-based): chr3:10,449,532, C>G on the plus strand (G>C on the coding strand, the complement: ATP2B2 is on the minus strand). VCF-style: chr3-10449532-C-G. GRCh37 (hg19) VCF-style: chr3-10491216-C-G.
Other names: c.12G>C, p.Met4Ile (NM_001353564.1, NM_001363862.1, NM_001683.5 and 1 more transcripts); short protein forms M4I.
Identifiers: ClinVar variation 2743146 (VCV002743146.3), dbSNP rs1251132863, ClinGen allele CA351783017.